The following is an entry in ClinVar:

NM_001271696.3(ABCB7):c.551C>T (p.Thr184Ile)

Gene: ABCB7 (ATP binding cassette subfamily B member 7; minus strand). Cytogenetic location: Xq13.3.
Variant type: single nucleotide variant.
Coding change: c.551C>T on transcript NM_001271696.3 (MANE Select); coding-DNA position 551, C replaced by T.
Protein change: p.Thr184Ile; replaces threonine 184 with isoleucine.
Molecular consequence: missense variant.
Genome position (GRCh38, 1-based): chrX:75,076,557, G>A on the plus strand (C>T on the coding strand, the complement: ABCB7 is on the minus strand). VCF-style: chrX-75076557-G-A. GRCh37 (hg19) VCF-style: chrX-74296392-G-A.
Other names: c.473C>T, p.Thr158Ile (NM_001271698.3); c.434C>T, p.Thr145Ile (NM_001271699.3); c.554C>T, p.Thr185Ile (NM_004299.6); c.431C>T, p.Thr144Ile (NM_001271697.3); short protein forms T144I, T145I, T158I, T184I, T185I.
Identifiers: ClinVar variation 3234629 (VCV003234629.20), dbSNP rs2519831064, ClinGen allele CA413677767.
Genomic context (GRCh38, chrX:75,076,557, plus strand): 5'-AGACAGATTAAAGAATCACACATACAGCCAATCAGAACTGCTGTTGCCATGGTTGCAACT[G>A]TATTTGGTGCATCACTCAGGTTCAGCATGTTTCCCGACATCTGGTTGAGGCTGTCTACAG-3'
Protein context (NP_001258625.1, residues 174-194): NMLNLSDAPN[Thr184Ile]VATMATAVLI

ClinVar aggregate classification (germline): Likely pathogenic (1 of 4 stars; one submission).

Submission:

CeGaT Center for Human Genetics Tuebingen
Classification: Likely pathogenic. Last evaluated: 2024-04-01. Review status: criteria provided, single submitter. Criteria: CeGaT Center For Human Genetics Tuebingen Variant Classification Criteria Version 2. Collection method: clinical testing. Allele origin: germline. Affected: yes. Observed: 1 variant allele.
Comment: ABCB7: PS2, PM2, PP3